The following is an entry in ClinVar:

NM_000458.4(HNF1B):c.1390G>C (p.Gly464Arg)

Gene: HNF1B (HNF1 homeobox B; minus strand). Cytogenetic location: 17q12.
Variant type: single nucleotide variant.
Coding change: c.1390G>C on transcript NM_000458.4 (MANE Select); coding-DNA position 1390, G replaced by C.
Protein change: p.Gly464Arg; replaces glycine 464 with arginine.
Molecular consequence: missense variant. On other transcripts: intron variant (1).
Genome position (GRCh38, 1-based): chr17:37,701,127, C>G on the plus strand (G>C on the coding strand, the complement: HNF1B is on the minus strand). VCF-style: chr17-37701127-C-G. GRCh37 (hg19) VCF-style: chr17-36061132-C-G.
Other names: c.1312G>C, p.Gly438Arg (NM_001165923.4); c.1261+3790G>C (NM_001304286.2); short protein forms G438R, G464R.
Identifiers: ClinVar variation 1333532 (VCV001333532.2), dbSNP rs982085453, ClinGen allele CA398755819.

ClinVar aggregate classification (germline): Uncertain significance. Review status: criteria provided, multiple submitters, no conflicts (2 of 4 stars). 2 submissions from 2 submitters: Uncertain significance (2). Last evaluated 2025-10-21.

Conditions:
Renal cysts and diabetes syndrome (RCAD). Also called: Familial hypoplastic, glomerulocystic kidney; MATURITY-ONSET DIABETES OF THE YOUNG, TYPE 5. Identifiers: Orphanet 93111, MedGen C0431693, MONDO:0007669, OMIM 137920.

Submissions (2):

Labcorp Genetics (formerly Invitae), Labcorp
Classification: Uncertain significance. Last evaluated: 2025-10-21. Review status: criteria provided, single submitter. Criteria: Invitae Variant Classification Sherloc (09022015). Collection method: clinical testing. Allele origin: germline.
Comment: This sequence change replaces glycine, which is neutral and non-polar, with arginine, which is basic and polar, at codon 464 of the HNF1B protein (p.Gly464Arg). This variant is not present in population databases (gnomAD no frequency). This missense change has been observed in individual(s) with maturity-onset diabetes of the young (PMID: 34462253). ClinVar contains an entry for this variant (Variation ID: 1333532). Invitae Evidence Modeling of protein sequence and biophysical properties (such as structural, functional, and spatial information, amino acid conservation, physicochemical variation, residue mobility, and thermodynamic stability) indicates that this missense variant is not expected to disrupt HNF1B protein function with a negative predictive value of 80%. In summary, the available evidence is currently insufficient to determine the role of this variant in disease. Therefore, it has been classified as a Variant of Uncertain Significance.

3billion
Classification: Uncertain significance for Renal cysts and diabetes syndrome. Last evaluated: 2022-01-03. Review status: criteria provided, single submitter. Criteria: ACMG Guidelines, 2015. Collection method: clinical testing. Allele origin: germline. Affected: yes. Observed: 1 heterozygote.
Comment: The variant is not observed in the gnomAD v2.1.1 dataset (PM2_M). In silico tool predictions suggest damaging effect of the variant on gene or gene product (REVEL: 0.731, 3CNET: 0.965, PP3_P). Therefore, this variant is classified as uncertain significance according to the recommendation of ACMG/AMP guideline.

Literature cited by the submitters: PubMed 34462253 (cited by Labcorp Genetics (formerly Invitae), Labcorp).